The following is an entry in ClinVar:

NM_019844.4(SLCO1B3):c.1614T>C (p.Val538=)

Genes: SLCO1B3 (solute carrier organic anion transporter family member 1B3; plus strand), SLCO1B3-SLCO1B7 (SLCO1B3-SLCO1B7 readthrough; plus strand). Cytogenetic location: 12p12.2.
Variant type: single nucleotide variant.
Coding change: c.1614T>C on transcript NM_019844.4 (MANE Select); coding-DNA position 1614, T replaced by C.
Protein change: p.Val538=; no amino-acid change (valine 538 retained).
Molecular consequence: synonymous variant.
Genome position (GRCh38, 1-based): chr12:20,883,534, T>C. VCF-style: chr12-20883534-T-C. GRCh37 (hg19) VCF-style: chr12-21036468-T-C.
Other names: c.1530T>C, p.Val510= (NM_001349920.2).
Identifiers: ClinVar variation 307908 (VCV000307908.21), dbSNP rs77851390, ClinGen allele CA6475626.

ClinVar aggregate classification (germline): Likely benign. Review status: criteria provided, multiple submitters, no conflicts (2 of 4 stars). 5 submissions from 5 submitters: Likely benign (4). 1 of the submissions does not count toward it. Last evaluated 2025-03-01.

Conditions:
Rotor syndrome (HBLRR). Also called: HYPERBILIRUBINEMIA, ROTOR TYPE, DIGENIC; HYPERBILIRUBINEMIA, ROTOR TYPE. Identifiers: Orphanet 3111, MedGen C0220991, MONDO:0009379, OMIM 237450.
SLCO1B3-related disorder. Also called: SLCO1B3-related condition.

Allele frequency attached by ClinVar (database versions not stated): gnomAD exomes 0.00028 and 0.00059; ExAC 0.00068; ESP Exome Variant Server 0.00246; gnomAD 0.00248 and 0.00265; 1000 Genomes Project 30x 0.00281; TOPMed 0.00291; 1000 Genomes Project 0.00300.
gnomAD v4.1: 798 of 1,605,556 alleles (0.05%); highest among the groups gnomAD compares: African/African-American, 0.98%; 4 homozygotes.

Submissions (5):

CeGaT Center for Human Genetics Tuebingen
Classification: Likely benign. Last evaluated: 2025-03-01. Review status: criteria provided, single submitter. Criteria: CeGaT Center For Human Genetics Tuebingen Variant Classification Criteria Version 2. Collection method: clinical testing. Allele origin: germline. Affected: yes. Observed: 1 variant allele.
Comment: SLCO1B3: BP4, BP7

ARUP Laboratories, Molecular Genetics and Genomics, ARUP Laboratories
Classification: Likely benign for Rotor syndrome. Last evaluated: 2024-12-23. Review status: criteria provided, single submitter. Criteria: ARUP Molecular Germline Variant Investigation Process 2024. Collection method: clinical testing. Allele origin: germline.

Blueprint Genetics
Classification: Likely benign. Last evaluated: 2024-08-06. Review status: criteria provided, single submitter. Criteria: ACMG Guidelines, 2015. Collection method: clinical testing. Allele origin: germline.

Illumina Laboratory Services, Illumina
Classification: Likely benign for Rotor syndrome. Last evaluated: 2018-01-13. Review status: criteria provided, single submitter. Criteria: ICSL Variant Classification Criteria 13 December 2019. Collection method: clinical testing. Allele origin: germline.
Comment: This variant was observed in the ICSL laboratory as part of a predisposition screen in an ostensibly healthy population. It had not been previously curated by ICSL or reported in the Human Gene Mutation Database (HGMD: prior to June 1st, 2018), and was therefore a candidate for classification through an automated scoring system. Utilizing variant allele frequency, disease prevalence and penetrance estimates, and inheritance mode, an automated score was calculated to assess if this variant is too frequent to cause the disease. Based on the score and internal cut-off values, a variant classified as likely benign is not then subjected to further curation. The score for this variant resulted in a classification of likely benign for this disease.

PreventionGenetics, part of Exact Sciences
Classification: Benign for SLCO1B3-related condition. Last evaluated: 2019-12-23. Review status: no assertion criteria provided. Collection method: clinical testing. Allele origin: germline. Not counted in ClinVar's aggregate classification.
Comment: This variant is classified as benign based on ACMG/AMP sequence variant interpretation guidelines (Richards et al. 2015 PMID: 25741868, with internal and published modifications).